The following is an entry in ClinVar:

NM_001374736.1(DST):c.13561A>G (p.Thr4521Ala)

Gene: DST (dystonin; minus strand). Cytogenetic location: 6p12.1.
Variant type: single nucleotide variant.
Coding change: c.13561A>G on transcript NM_001374736.1 (MANE Select); coding-DNA position 13561, A replaced by G.
Protein change: p.Thr4521Ala; replaces threonine 4521 with alanine.
Molecular consequence: missense variant.
Genome position (GRCh38, 1-based): chr6:56,572,260, T>C on the plus strand (A>G on the coding strand, the complement: DST is on the minus strand). VCF-style: chr6-56572260-T-C. GRCh37 (hg19) VCF-style: chr6-56437058-T-C.
Other names: c.6670A>G, p.Thr2224Ala (NM_001386100.1, NM_183380.4, NM_001374730.1); c.5692A>G, p.Thr1898Ala (NM_015548.5); c.7204A>G, p.Thr2402Ala (NM_001144769.5); c.6790A>G, p.Thr2264Ala (NM_001144770.2); c.13561A>G, p.Thr4521Ala (NM_001374722.1); c.12928A>G, p.Thr4310Ala (NM_001374729.1); c.13588A>G, p.Thr4530Ala (NM_001374734.1); c.7204A>G (NM_001144769.2); short protein forms T1898A, T2224A, T2264A, T2402A, T4310A, T4521A, T4530A.
Identifiers: ClinVar variation 1053923 (VCV001053923.8), dbSNP rs375128255, ClinGen allele CA3868194.

ClinVar aggregate classification (germline): Uncertain significance. Review status: criteria provided, multiple submitters, no conflicts (2 of 4 stars). 2 submissions from 2 submitters: Uncertain significance (2). Last evaluated 2026-01-08.

Conditions:
Hereditary sensory and autonomic neuropathy type 6. Also called: HSAN VI; Neuropathy, hereditary sensory and autonomic, type VI. Identifiers: Orphanet 314381, MedGen C3539003, MONDO:0013839, OMIM 614653.
Epidermolysis bullosa simplex 3, localized or generalized intermediate, with BP230 deficiency (EBS3). Also called: Epidermolysis bullosa simplex, autosomal recessive 2; Epidermolysis bullosa simplex due to BP230 deficiency. Identifiers: Orphanet 412181, MedGen C3809470, MONDO:0014180, OMIM 615425.
DST-related disorder. Also called: DST-related condition; DST-related disorders.

Allele frequency attached by ClinVar (database versions not stated): gnomAD exomes below 0.00001 and 0.00001; ExAC 0.00005; gnomAD 0.00005 and 0.00006; TOPMed 0.00005; ESP Exome Variant Server 0.00008.
gnomAD v4.1: 13 of 1,556,918 alleles (0.00083%); highest among the groups gnomAD compares: African/African-American, 0.018%; no homozygotes.

Submissions (2):

PreventionGenetics, part of Exact Sciences
Classification: Uncertain significance for DST-related condition. Last evaluated: 2026-01-08. Review status: criteria provided, single submitter. Criteria: ACMG Guidelines, 2015. Collection method: clinical testing. Allele origin: germline.
Comment: The DST c.7204A>G variant is predicted to result in the amino acid substitution p.Thr2402Ala. To our knowledge, this variant has not been reported in the literature. This variant is reported in 0.019% of alleles in individuals of African descent in gnomAD. At this time, the clinical significance of this variant is uncertain due to the absence of conclusive functional and genetic evidence.

Labcorp Genetics (formerly Invitae), Labcorp
Classification: Uncertain significance for Epidermolysis bullosa simplex 3, localized or generalized intermediate, with BP230 deficiency; Hereditary sensory and autonomic neuropathy type 6. Last evaluated: 2024-03-16. Review status: criteria provided, single submitter. Criteria: Invitae Variant Classification Sherloc (09022015). Collection method: clinical testing. Allele origin: germline.
Comment: The DST gene has multiple clinically relevant transcripts. This variant occurs in alternate transcript NM_015548.4, and corresponds to NM_001723.5:c.*43257A>G in the primary transcript. This sequence change replaces threonine, which is neutral and polar, with alanine, which is neutral and non-polar, at codon 1898 of the DST protein (p.Thr1898Ala). This variant is present in population databases (rs375128255, gnomAD 0.02%). This variant has not been reported in the literature in individuals affected with DST-related conditions. ClinVar contains an entry for this variant (Variation ID: 1053923) Experimental studies and prediction algorithms are not available or were not evaluated, and the functional significance of this variant is currently unknown. In summary, the available evidence is currently insufficient to determine the role of this variant in disease. Therefore, it has been classified as a Variant of Uncertain Significance.